The following is an entry in ClinVar:

ClinVar aggregate classification (germline): Uncertain significance. Review status: criteria provided, multiple submitters, no conflicts (2 of 4 stars). 3 submissions from 3 submitters: Uncertain significance (3). Last evaluated 2022-12-25.

Conditions:
Acrodysostosis 2 with or without hormone resistance. Also called: ACRODYSOSTOSIS 2 WITH HORMONE RESISTANCE; ACRODYSOSTOSIS 2 WITHOUT HORMONE RESISTANCE. Identifiers: Orphanet 280651, MedGen C3553250, MONDO:0013822, OMIM 614613.

Allele frequency attached by ClinVar (database versions not stated): gnomAD 0.00001; TOPMed 0.00003; ESP Exome Variant Server 0.00008; gnomAD exomes 0.00008.
gnomAD v4.1: 122 of 1,605,324 alleles (0.0076%); highest among the groups gnomAD compares: Non-Finnish European, 0.0096%; 1 homozygote.

Submissions (3):

Labcorp Genetics (formerly Invitae), Labcorp
Classification: Uncertain significance. Last evaluated: 2022-12-25. Review status: criteria provided, single submitter. Criteria: Invitae Variant Classification Sherloc (09022015). Collection method: clinical testing. Allele origin: germline.
Comment: In summary, the available evidence is currently insufficient to determine the role of this variant in disease. Therefore, it has been classified as a Variant of Uncertain Significance. Algorithms developed to predict the effect of sequence changes on RNA splicing suggest that this variant is not likely to affect RNA splicing. ClinVar contains an entry for this variant (Variation ID: 353987). This variant has not been reported in the literature in individuals affected with PDE4D-related conditions. This variant is not present in population databases (gnomAD no frequency). This sequence change affects codon 569 of the PDE4D mRNA. It is a 'silent' change, meaning that it does not change the encoded amino acid sequence of the PDE4D protein. It affects a nucleotide within the consensus splice site.

Illumina Laboratory Services, Illumina
Classification: Uncertain significance for Acrodysostosis 2 with or without hormone resistance. Last evaluated: 2018-01-13. Review status: criteria provided, single submitter. Criteria: ICSL Variant Classification Criteria 13 December 2019. Collection method: clinical testing. Allele origin: germline.

Breakthrough Genomics
Classification: Uncertain significance. Review status: criteria provided, single submitter. Criteria: ACMG Guidelines, 2015. Collection method: not provided. Allele origin: germline. Inheritance: Autosomal dominant inheritance. Affected: yes.

NM_001104631.2(PDE4D):c.1707C>T (p.Ile569=)

Gene: PDE4D (phosphodiesterase 4D; minus strand). Cytogenetic location: 5q11.2.
Variant type: single nucleotide variant.
Coding change: c.1707C>T on transcript NM_001104631.2 (MANE Select); coding-DNA position 1707, C replaced by T.
Protein change: p.Ile569=; no amino-acid change (isoleucine 569 retained).
Molecular consequence: synonymous variant.
Genome position (GRCh38, 1-based): chr5:58,977,191, G>A on the plus strand (C>T on the coding strand, the complement: PDE4D is on the minus strand). VCF-style: chr5-58977191-G-A. GRCh37 (hg19) VCF-style: chr5-58273018-G-A.
Other names: c.1524C>T, p.Ile508= (NM_001165899.2, NM_001364599.1); c.1515C>T, p.Ile505= (NM_001197218.2); c.1341C>T, p.Ile447= (NM_001197219.2); c.1317C>T, p.Ile439= (NM_001197220.2); c.801C>T, p.Ile267= (NM_001197221.2, NM_001364603.1); c.1035C>T, p.Ile345= (NM_001197222.2); c.834C>T, p.Ile278= (NM_001197223.2); c.1494C>T, p.Ile498= (NM_001349241.2); and 3 more.
Identifiers: ClinVar variation 353987 (VCV000353987.11), dbSNP rs371404288, ClinGen allele CA10625046.